The following is an entry in ClinVar:

ClinVar aggregate classification (germline): Benign. Review status: criteria provided, single submitter (1 of 4 stars). 2 submissions from 1 submitter: Benign (2). Last evaluated 2018-01-12.

Conditions:
Craniometaphyseal dysplasia, autosomal dominant (CMDD). Identifiers: Orphanet 1522, MedGen C1852502, MONDO:0007397, OMIM 123000.
Chondrocalcinosis 2. Also called: CALCIUM GOUT; CALCIUM PYROPHOSPHATE ARTHROPATHY; Familial calcium pyrophosphate deposition. Identifiers: Orphanet 1416, MedGen C0856830, MONDO:0007319, OMIM 118600.

Allele frequency attached by ClinVar (database versions not stated): 1000 Genomes Project 0.00319; gnomAD 0.04727 and 0.04947.

Submissions (2):

Illumina Laboratory Services, Illumina
Classification: Benign for Craniometaphyseal dysplasia, autosomal dominant. Last evaluated: 2018-01-12. Review status: criteria provided, single submitter. Criteria: ICSL Variant Classification Criteria 13 December 2019. Collection method: clinical testing. Allele origin: germline.
Comment: This variant was observed in the ICSL laboratory as part of a predisposition screen in an ostensibly healthy population. It had not been previously curated by ICSL or reported in the Human Gene Mutation Database (HGMD: prior to June 1st, 2018), and was therefore a candidate for classification through an automated scoring system. Utilizing variant allele frequency, disease prevalence and penetrance estimates, and inheritance mode, an automated score was calculated to assess if this variant is too frequent to cause the disease. Based on the score and internal cut-off values, a variant classified as benign is not then subjected to further curation. The score for this variant resulted in a classification of benign for this disease.

Illumina Laboratory Services, Illumina
Classification: Benign for Chondrocalcinosis 2. Last evaluated: 2018-01-12. Review status: criteria provided, single submitter. Criteria: ICSL Variant Classification Criteria 13 December 2019. Collection method: clinical testing. Allele origin: germline.
Comment: the same text as in the submission from Illumina Laboratory Services, Illumina above.

NM_054027.6(ANKH):c.*3899T>C

Genes: ANKH (ANKH inorganic pyrophosphate transport regulator; minus strand), OTULIN (OTU deubiquitinase with linear linkage specificity; plus strand). Cytogenetic location: 5p15.2.
Variant type: single nucleotide variant.
Coding change: c.*3899T>C on transcript NM_054027.6 (MANE Select); 3899 bases downstream of the stop codon, T replaced by C.
Molecular consequence: 3 prime UTR variant.
Genome position (GRCh38, 1-based): chr5:14,707,298, A>G on the plus strand (T>C on the coding strand, the complement: ANKH is on the minus strand). VCF-style: chr5-14707298-A-G. GRCh37 (hg19) VCF-style: chr5-14707407-A-G.
Identifiers: ClinVar variation 351427 (VCV000351427.5), dbSNP rs559763037, ClinGen allele CA10622995.